The following is an entry in ClinVar:

ClinVar aggregate classification (germline): Uncertain significance. Review status: criteria provided, single submitter (1 of 4 stars). 2 submissions from 2 submitters: Uncertain significance (1). 1 of the submissions does not count toward it. Last evaluated 2023-09-08.

Conditions:
Agammaglobulinemia 7, autosomal recessive (AGM7). Also called: AGAMMAGLOBULINEMIA, AUTOSOMAL RECESSIVE, DUE TO PIK3R1 DEFECT. Identifiers: MedGen C3554689, MONDO:0014083, OMIM 615214.
Immunodeficiency 36 with lymphoproliferation. Also called: ACTIVATED PI3K-DELTA SYNDROME 2; Activated PI3K Delta Syndrome Type 2 (APDS2); Immunodeficiency 36. Identifiers: Orphanet 397596, Orphanet 693681, MedGen C4014934, MONDO:0014453, OMIM 616005.
SHORT syndrome. Also called: SHORT STATURE, HYPEREXTENSIBILITY, HERNIA, OCULAR DEPRESSION, RIEGER ANOMALY, AND TEETHING DELAY; PIK3R1-Related SHORT Syndrome; LIPODYSTROPHY, PARTIAL, WITH RIEGER ANOMALY AND SHORT STATURE. Identifiers: Orphanet 3163, MedGen C0878684, MONDO:0010026, OMIM 269880.
Activated PI3K-delta syndrome. Identifiers: Orphanet 397596, MedGen C3714976, MONDO:0018338.

Allele frequency attached by ClinVar (database versions not stated): ExAC 0.00001; gnomAD exomes 0.00001.
gnomAD v4.1: 14 of 1,614,058 alleles (0.00087%); highest among the groups gnomAD compares: Non-Finnish European, 0.0012%; no homozygotes.

Submissions (2):

Labcorp Genetics (formerly Invitae), Labcorp
Classification: Uncertain significance for SHORT syndrome; Immunodeficiency 36 with lymphoproliferation; Agammaglobulinemia 7, autosomal recessive. Last evaluated: 2023-09-08. Review status: criteria provided, single submitter. Criteria: Invitae Variant Classification Sherloc (09022015). Collection method: clinical testing. Allele origin: germline.
Comment: In summary, the available evidence is currently insufficient to determine the role of this variant in disease. Therefore, it has been classified as a Variant of Uncertain Significance. Experimental studies have shown that this missense change affects PIK3R1 function (PMID: 29740032). An algorithm developed to predict the effect of missense changes on protein structure and function (PolyPhen-2) suggests that this variant is likely to be disruptive. This variant has not been reported in the literature in individuals affected with PIK3R1-related conditions. This variant is present in population databases (rs752891021, gnomAD 0.0009%). This sequence change replaces phenylalanine, which is neutral and non-polar, with leucine, which is neutral and non-polar, at codon 69 of the PIK3R1 protein (p.Phe69Leu).

Rarefied Biosciences Lab
Classification: Likely benign for Activated PI3K-delta syndrome. Review status: no assertion criteria provided. Collection method: research. Allele origin: germline. Affected: yes. Not counted in ClinVar's aggregate classification.
Comment: The PIK3R1 c.207T>G (p.Phe69Leu) variant is extremely rare in population databases (Joint Max Group AF: 0.00000688 NFE; Exomes Max Group AF: 0.00000731 NFE). The residue is poorly conserved (phyloP100: -0.042), and in silico analysis supports a benign effect (REVEL: 0.367, Benign Moderate). Functional immune studies demonstrated: Normal TFH, Transitional B cells and No abnormal mTOR activation observed. These findings do not support a gain-of-function effect in the PI3K pathway. Given the lack of functional impact, rarity, and benign computational predictions, this variant is classified as Likely Benign.

Literature cited by the submitters: PubMed 29740032 (cited by Labcorp Genetics (formerly Invitae), Labcorp); PubMed 31031754 (cited by Rarefied Biosciences Lab).

NM_181523.3(PIK3R1):c.207T>G (p.Phe69Leu)

Gene: PIK3R1 (phosphoinositide-3-kinase regulatory subunit 1; plus strand). Cytogenetic location: 5q13.1.
Variant type: single nucleotide variant.
Coding change: c.207T>G on transcript NM_181523.3 (MANE Select); coding-DNA position 207, T replaced by G.
Protein change: p.Phe69Leu; replaces phenylalanine 69 with leucine.
Molecular consequence: missense variant.
Genome position (GRCh38, 1-based): chr5:68,226,882, T>G. VCF-style: chr5-68226882-T-G. GRCh37 (hg19) VCF-style: chr5-67522710-T-G.
Other names: short protein forms F69L.
Identifiers: ClinVar variation 2934068 (VCV002934068.4), dbSNP rs752891021, ClinGen allele CA3289946.